The following is an entry in ClinVar:

ClinVar aggregate classification (germline): Uncertain significance (1 of 4 stars; one submission).

Submission:

Mayo Clinic Laboratories, Mayo Clinic
Classification: Uncertain significance. Last evaluated: 2023-10-04. Review status: criteria provided, single submitter. Criteria: ACMG Guidelines, 2015. Collection method: clinical testing. Allele origin: germline. Observed: 1 variant allele.
Comment: PM2_moderate

NM_000540.3(RYR1):c.14412C>A (p.His4804Gln)

Gene: RYR1 (ryanodine receptor 1; plus strand). Cytogenetic location: 19q13.2.
Variant type: single nucleotide variant.
Coding change: c.14412C>A on transcript NM_000540.3 (MANE Select); coding-DNA position 14412, C replaced by A.
Protein change: p.His4804Gln; replaces histidine 4804 with glutamine.
Molecular consequence: missense variant.
Genome position (GRCh38, 1-based): chr19:38,580,029, C>A. VCF-style: chr19-38580029-C-A. GRCh37 (hg19) VCF-style: chr19-39070669-C-A.
Other names: p.His4804Gln; c.14397C>A, p.His4799Gln (NM_001042723.2); short protein forms H4799Q, H4804Q.
Identifiers: ClinVar variation 3380615 (VCV003380615.1).
Genomic context (GRCh38, chr19:38,580,029, plus strand): 5'-TGTGTGCCCACAGTCCTTCCTGTACCTGGGCTGGTATATGGTGATGTCCCTCTTGGGACA[C>A]TACAACAACTTCTTCTTTGCTGCCCATCTCCTGGACATCGCCATGGGGGTCAAGACGCTG-3'
Protein context (NP_000531.2, residues 4794-4814): GWYMVMSLLG[His4804Gln]YNNFFFAAHL